The following is an entry in ClinVar:

NM_001077350.3(NPRL3):c.925-3C>T

Genes: HBA-LCR (alpha-globin locus control region; plus strand), NPRL3 (NPR3 like, GATOR1 complex subunit; minus strand). Cytogenetic location: 16p13.3.
Variant type: single nucleotide variant.
Coding change: c.925-3C>T on transcript NM_001077350.3 (MANE Select); 3 bases into the intron before coding-DNA position 925, C replaced by T.
Molecular consequence: intron variant.
Genome position (GRCh38, 1-based): chr16:93,328, G>A on the plus strand (C>T on the coding strand, the complement: NPRL3 is on the minus strand). VCF-style: chr16-93328-G-A. GRCh37 (hg19) VCF-style: chr16-143326-G-A.
Other names: c.691-3C>T (NM_001243247.2); c.850-3C>T (NM_001243248.2, NM_001243249.2); c.388-3C>T (NM_001039476.3).
Identifiers: ClinVar variation 1363191 (VCV001363191.6), dbSNP rs2141909476, ClinGen allele CA2573151942.

ClinVar aggregate classification (germline): Uncertain significance (1 of 4 stars; one submission).

Conditions:
Epilepsy, familial focal, with variable foci 3 (FFEVF3). Identifiers: MedGen C4310708, MONDO:0014925, OMIM 617118.

Allele frequency attached by ClinVar (database versions not stated): gnomAD exomes below 0.00001.
gnomAD v4.1: 1 of 1,544,014 alleles (0.000065%); highest among the groups gnomAD compares: South Asian, 0.0012%; no homozygotes.

Submission:

Labcorp Genetics (formerly Invitae), Labcorp
Classification: Uncertain significance for Epilepsy, familial focal, with variable foci 3. Last evaluated: 2025-10-10. Review status: criteria provided, single submitter. Criteria: Invitae Variant Classification Sherloc (09022015). Collection method: clinical testing. Allele origin: germline.
Comment: This sequence change falls in intron 9 of the NPRL3 gene. It does not directly change the encoded amino acid sequence of the NPRL3 protein. It affects a nucleotide within the consensus splice site. This variant is not present in population databases (gnomAD no frequency). This variant has not been reported in the literature in individuals affected with NPRL3-related conditions. ClinVar contains an entry for this variant (Variation ID: 1363191). Variants that disrupt the consensus splice site are a relatively common cause of aberrant splicing (PMID: 17576681, 9536098). Algorithms developed to predict the effect of sequence changes on RNA splicing suggest that this variant is not likely to affect RNA splicing. In summary, the available evidence is currently insufficient to determine the role of this variant in disease. Therefore, it has been classified as a Variant of Uncertain Significance.

Literature cited by the submitters: PubMed 17576681; PubMed 9536098.